The following is an entry in ClinVar:

ClinVar aggregate classification (germline): Uncertain significance. Review status: criteria provided, multiple submitters, no conflicts (2 of 4 stars). 5 submissions from 5 submitters: Uncertain significance (5). Last evaluated 2025-12-03.

Conditions:
Hereditary cancer-predisposing syndrome. Also called: Neoplastic Syndromes, Hereditary; Tumor predisposition; Hereditary Cancer Syndrome; Hereditary neoplastic syndrome. Identifiers: Orphanet 140162, MedGen C0027672, MeSH D009386, MONDO:0015356.
Familial cancer of breast. Also called: BREAST CANCER, FAMILIAL; hereditary breast carcinoma; Hereditary breast cancer. Identifiers: Orphanet 227535, MedGen C0346153, MONDO:0016419, OMIM 114480. Disease mechanism: loss of function.

Allele frequency attached by ClinVar (database versions not stated): gnomAD exomes 0.00001.
gnomAD v4.1: 3 of 1,613,720 alleles (0.00019%); highest among the groups gnomAD compares: African/African-American, 0.004%; no homozygotes.

Submissions (5):

Labcorp Genetics (formerly Invitae), Labcorp
Classification: Uncertain significance for Familial cancer of breast. Last evaluated: 2025-12-03. Review status: criteria provided, single submitter. Criteria: Invitae Variant Classification Sherloc (09022015). Collection method: clinical testing. Allele origin: germline.
Comment: This sequence change replaces glycine, which is neutral and non-polar, with aspartic acid, which is acidic and polar, at codon 293 of the PALB2 protein (p.Gly293Asp). The frequency data for this variant in the population databases is considered unreliable, as metrics indicate poor data quality at this position in the gnomAD database. This variant has not been reported in the literature in individuals affected with PALB2-related conditions. ClinVar contains an entry for this variant (Variation ID: 233423). An algorithm developed to predict the effect of missense changes on protein structure and function outputs the following: PolyPhen-2: "Benign". The aspartic acid amino acid residue is found in multiple mammalian species, which suggests that this missense change does not adversely affect protein function. In summary, the available evidence is currently insufficient to determine the role of this variant in disease. Therefore, it has been classified as a Variant of Uncertain Significance.

Ambry Genetics
Classification: Uncertain significance for Hereditary cancer-predisposing syndrome. Last evaluated: 2025-10-14. Review status: criteria provided, single submitter. Criteria: Ambry Variant Classification Scheme 2023. Collection method: clinical testing. Allele origin: germline.
Comment: The p.G293D variant (also known as c.878G>A), located in coding exon 4 of the PALB2 gene, results from a G to A substitution at nucleotide position 878. The glycine at codon 293 is replaced by aspartic acid, an amino acid with similar properties. This amino acid position is poorly conserved in available vertebrate species and aspartic acid is the reference amino acid in multiple species. In addition, this alteration is predicted to be tolerated by in silico analysis. Since supporting evidence is limited at this time, the clinical significance of this alteration remains unclear.

GeneDx
Classification: Uncertain significance. Last evaluated: 2024-06-05. Review status: criteria provided, single submitter. Criteria: GeneDx Variant Classification Process June 2021. Collection method: clinical testing. Allele origin: germline. Affected: yes.
Comment: Not observed at significant frequency in large population cohorts (gnomAD); In silico analysis indicates that this missense variant does not alter protein structure/function; Has not been previously published as pathogenic or benign to our knowledge; This variant is associated with the following publications: (PMID: 19369211)

Color Diagnostics, LLC DBA Color Health
Classification: Uncertain significance for Hereditary cancer-predisposing syndrome. Last evaluated: 2023-12-04. Review status: criteria provided, single submitter. Criteria: ACMG Guidelines, 2015. Collection method: clinical testing. Allele origin: germline.
Comment: This missense variant replaces glycine with aspartic acid at codon 293 of the PALB2 protein. Computational prediction suggests that this variant may not impact protein structure and function (internally defined REVEL score threshold <= 0.5, PMID: 27666373). To our knowledge, functional studies have not been reported for this variant. This variant has not been reported in individuals affected with PALB2-related disorders in the literature. This variant has been identified in 2/251264 chromosomes in the general population by the Genome Aggregation Database (gnomAD). The available evidence is insufficient to determine the role of this variant in disease conclusively. Therefore, this variant is classified as a Variant of Uncertain Significance.

Women's Health and Genetics/Laboratory Corporation of America, LabCorp
Classification: Uncertain significance. Last evaluated: 2023-08-13. Review status: criteria provided, single submitter. Criteria: LabCorp Variant Classification Summary - May 2015. Collection method: clinical testing. Allele origin: germline.

NM_024675.4(PALB2):c.878G>A (p.Gly293Asp)

Gene: PALB2 (partner and localizer of BRCA2; minus strand). Cytogenetic location: 16p12.2.
Variant type: single nucleotide variant.
Coding change: c.878G>A on transcript NM_024675.4 (MANE Select); coding-DNA position 878, G replaced by A.
Protein change: p.Gly293Asp; replaces glycine 293 with aspartic acid.
Molecular consequence: missense variant.
Genome position (GRCh38, 1-based): chr16:23,635,668, C>T on the plus strand (G>A on the coding strand, the complement: PALB2 is on the minus strand). VCF-style: chr16-23635668-C-T. GRCh37 (hg19) VCF-style: chr16-23646989-C-T.
Other names: short protein forms G293D.
Identifiers: ClinVar variation 233423 (VCV000233423.22), dbSNP rs876660398, ClinGen allele CA10580029.